The following is an entry in ClinVar:

ClinVar aggregate classification (germline): Likely benign. Review status: criteria provided, multiple submitters, no conflicts (2 of 4 stars). 3 submissions from 3 submitters: Likely benign (3). Last evaluated 2025-12-30.

Conditions:
COL18A1-related disorder. Also called: COL18A1-related condition; COL18A1-related disorders.

Allele frequency attached by ClinVar (database versions not stated): ExAC 0.00004; gnomAD exomes 0.00005; TOPMed 0.00006; gnomAD 0.00007; ESP Exome Variant Server 0.00024; 1000 Genomes Project 30x 0.00031.
gnomAD v4.1: 70 of 1,613,452 alleles (0.0043%); highest among the groups gnomAD compares: Admixed American, 0.01%; no homozygotes.

Submissions (3):

PreventionGenetics, part of Exact Sciences
Classification: Likely benign for COL18A1-related condition. Last evaluated: 2025-12-30. Review status: criteria provided, single submitter. Criteria: ACMG Guidelines, 2015. Collection method: clinical testing. Allele origin: germline.
Comment: This variant is classified as likely benign based on ACMG/AMP sequence variant interpretation guidelines (Richards et al. 2015 PMID: 25741868, with internal and published modifications).

Labcorp Genetics (formerly Invitae), Labcorp
Classification: Likely benign. Last evaluated: 2025-09-14. Review status: criteria provided, single submitter. Criteria: Invitae Variant Classification Sherloc (09022015). Collection method: clinical testing. Allele origin: germline.

Blueprint Genetics
Classification: Likely benign. Last evaluated: 2024-08-16. Review status: criteria provided, single submitter. Criteria: ACMG Guidelines, 2015. Collection method: clinical testing. Allele origin: germline.

NM_001379500.1(COL18A1):c.186C>T (p.Pro62=)

Gene: COL18A1 (collagen type XVIII alpha 1 chain; plus strand). Cytogenetic location: 21q22.3.
Variant type: single nucleotide variant.
Coding change: c.186C>T on transcript NM_001379500.1 (MANE Select); coding-DNA position 186, C replaced by T.
Protein change: p.Pro62=; no amino-acid change (proline 62 retained).
Molecular consequence: synonymous variant.
Genome position (GRCh38, 1-based): chr21:45,468,321, C>T. VCF-style: chr21-45468321-C-T. GRCh37 (hg19) VCF-style: chr21-46888235-C-T.
Other names: c.726C>T (NM_030582.3); c.726C>T, p.Pro242= (NM_030582.4); c.1431C>T, p.Pro477= (NM_130444.3).
Identifiers: ClinVar variation 1542641 (VCV001542641.10), dbSNP rs372731688, ClinGen allele CA10065692.